The following is an entry in ClinVar:

NM_014244.5(ADAMTS2):c.458G>A (p.Gly153Glu)

Gene: ADAMTS2 (ADAM metallopeptidase with thrombospondin type 1 motif 2; minus strand). Cytogenetic location: 5q35.3.
Variant type: single nucleotide variant.
Coding change: c.458G>A on transcript NM_014244.5 (MANE Select); coding-DNA position 458, G replaced by A.
Protein change: p.Gly153Glu; replaces glycine 153 with glutamic acid.
Molecular consequence: missense variant.
Genome position (GRCh38, 1-based): chr5:179,343,843, C>T on the plus strand (G>A on the coding strand, the complement: ADAMTS2 is on the minus strand). VCF-style: chr5-179343843-C-T. GRCh37 (hg19) VCF-style: chr5-178770844-C-T.
Other names: c.458G>A, p.Gly153Glu (NM_021599.4); short protein forms G153E.
Identifiers: ClinVar variation 1363761 (VCV001363761.6), dbSNP rs2127463330, ClinGen allele CA362622505.

ClinVar aggregate classification (germline): Uncertain significance (1 of 4 stars; one submission).

Conditions:
Ehlers-Danlos syndrome, dermatosparaxis type. Also called: EDS VIIC; Ehlers-Danlos syndrome, type VII, autosomal recessive; Dermatosparaxis. Identifiers: Orphanet 1901, MedGen C2700425, MONDO:0009161, OMIM 225410.

Allele frequency attached by ClinVar (database versions not stated): gnomAD exomes below 0.00001.
gnomAD v4.1: 4 of 1,604,650 alleles (0.00025%); highest among the groups gnomAD compares: Non-Finnish European, 0.00025%; no homozygotes.

Submission:

Labcorp Genetics (formerly Invitae), Labcorp
Classification: Uncertain significance for Ehlers-Danlos syndrome, dermatosparaxis type. Last evaluated: 2021-11-15. Review status: criteria provided, single submitter. Criteria: Invitae Variant Classification Sherloc (09022015). Collection method: clinical testing. Allele origin: germline.
Comment: This sequence change replaces glycine, which is neutral and non-polar, with glutamic acid, which is acidic and polar, at codon 153 of the ADAMTS2 protein (p.Gly153Glu). This variant is not present in population databases (gnomAD no frequency). This variant has not been reported in the literature in individuals affected with ADAMTS2-related conditions. Algorithms developed to predict the effect of missense changes on protein structure and function are either unavailable or do not agree on the potential impact of this missense change (SIFT: "Deleterious"; PolyPhen-2: "Possibly Damaging"; Align-GVGD: "Class C0"). In summary, the available evidence is currently insufficient to determine the role of this variant in disease. Therefore, it has been classified as a Variant of Uncertain Significance.